The following is an entry in ClinVar:

ClinVar aggregate classification (germline): Uncertain significance (1 of 4 stars; one submission).

Allele frequency attached by ClinVar (database versions not stated): TOPMed below 0.00001; gnomAD exomes 0.00001; ESP Exome Variant Server 0.00008.
gnomAD v4.1: 13 of 1,613,466 alleles (0.00081%); highest among the groups gnomAD compares: East Asian, 0.0067%; no homozygotes.

Submission:

Labcorp Genetics (formerly Invitae), Labcorp
Classification: Uncertain significance. Last evaluated: 2025-01-23. Review status: criteria provided, single submitter. Criteria: Invitae Variant Classification Sherloc (09022015). Collection method: clinical testing. Allele origin: germline.
Comment: This sequence change replaces asparagine, which is neutral and polar, with serine, which is neutral and polar, at codon 616 of the ATR protein (p.Asn616Ser). This variant is not present in population databases (gnomAD no frequency). This variant has not been reported in the literature in individuals affected with ATR-related conditions. ClinVar contains an entry for this variant (Variation ID: 967803). An algorithm developed to predict the effect of missense changes on protein structure and function outputs the following: PolyPhen-2: "Benign". The serine amino acid residue is found in multiple mammalian species, which suggests that this missense change does not adversely affect protein function. In summary, the available evidence is currently insufficient to determine the role of this variant in disease. Therefore, it has been classified as a Variant of Uncertain Significance.

NM_001184.4(ATR):c.1847A>G (p.Asn616Ser)

Gene: ATR (ATR checkpoint kinase; minus strand). Cytogenetic location: 3q23.
Variant type: single nucleotide variant.
Coding change: c.1847A>G on transcript NM_001184.4 (MANE Select); coding-DNA position 1847, A replaced by G.
Protein change: p.Asn616Ser; replaces asparagine 616 with serine.
Molecular consequence: missense variant.
Genome position (GRCh38, 1-based): chr3:142,558,662, T>C on the plus strand (A>G on the coding strand, the complement: ATR is on the minus strand). VCF-style: chr3-142558662-T-C. GRCh37 (hg19) VCF-style: chr3-142277504-T-C.
Other names: c.1655A>G, p.Asn552Ser (NM_001354579.2); short protein forms N552S, N616S.
Identifiers: ClinVar variation 967803 (VCV000967803.10), dbSNP rs374946388, ClinGen allele CA84752691.